The following is an entry in ClinVar:

NM_000059.4(BRCA2):c.350T>G (p.Leu117Arg)

Gene: BRCA2 (BRCA2 DNA repair associated; plus strand). Cytogenetic location: 13q13.1.
Variant type: single nucleotide variant.
Coding change: c.350T>G on transcript NM_000059.4 (MANE Select); coding-DNA position 350, T replaced by G.
Protein change: p.Leu117Arg; replaces leucine 117 with arginine.
Molecular consequence: missense variant. On other transcripts: 5 prime UTR variant (1), non-coding transcript variant (1).
Genome position (GRCh38, 1-based): chr13:32,325,109, T>G. VCF-style: chr13-32325109-T-G. GRCh37 (hg19) VCF-style: chr13-32899246-T-G.
Other names: c.350T>G, p.Leu117Arg (NM_001406719.1, NM_001406720.1, NM_001406721.1 and 1 more transcripts); c.-20T>G (NM_001406722.1); short protein forms L117R.
Identifiers: ClinVar variation 4802260 (VCV004802260.1).

ClinVar aggregate classification (germline): Uncertain significance (1 of 4 stars; one submission).

Conditions:
Hereditary breast ovarian cancer syndrome. Also called: Hereditary breast and ovarian cancer syndrome (HBOC); Hereditary breast and ovarian cancer; Breast and ovarian cancer; Hereditary breast and/or ovarian cancer syndrome; BRCA1- and BRCA2-Associated Hereditary Breast and Ovarian Cancer; Hereditary breast and ovarian cancer syndrome. Identifiers: Orphanet 145, MedGen C0677776, MeSH D061325, MONDO:0003582. Disease mechanism: loss of function.

gnomAD v4.1: 3 of 1,607,222 alleles (0.00019%); highest among the groups gnomAD compares: South Asian, 0.0033%; no homozygotes.

Submission:

Labcorp Genetics (formerly Invitae), Labcorp
Classification: Uncertain significance for Hereditary breast ovarian cancer syndrome. Last evaluated: 2025-09-16. Review status: criteria provided, single submitter. Criteria: Invitae Variant Classification Sherloc (09022015). Collection method: clinical testing. Allele origin: germline.
Comment: This sequence change replaces leucine, which is neutral and non-polar, with arginine, which is basic and polar, at codon 117 of the BRCA2 protein (p.Leu117Arg). This variant is present in population databases (rs766194968, gnomAD 0.003%). This variant has not been reported in the literature in individuals affected with BRCA2-related conditions. Invitae Evidence Modeling of protein sequence and biophysical properties (such as structural, functional, and spatial information, amino acid conservation, physicochemical variation, residue mobility, and thermodynamic stability) indicates that this missense variant is not expected to disrupt BRCA2 protein function with a negative predictive value of 95%. In summary, the available evidence is currently insufficient to determine the role of this variant in disease. Therefore, it has been classified as a Variant of Uncertain Significance.